The following is an entry in ClinVar:

NM_020796.5(SEMA6A):c.596G>C (p.Arg199Pro)

Genes: SEMA6A (semaphorin 6A; minus strand), LOC126807485 (CDK7 strongly-dependent group 2 enhancer GRCh37_chr5:115823690-115824889; plus strand). Cytogenetic location: 5q23.1.
Variant type: single nucleotide variant.
Coding change: c.596G>C on transcript NM_020796.5 (MANE Select); coding-DNA position 596, G replaced by C.
Protein change: p.Arg199Pro; replaces arginine 199 with proline.
Molecular consequence: missense variant.
Genome position (GRCh38, 1-based): chr5:116,488,947, C>G on the plus strand (G>C on the coding strand, the complement: SEMA6A is on the minus strand). VCF-style: chr5-116488947-C-G. GRCh37 (hg19) VCF-style: chr5-115824643-C-G.
Other names: c.596G>C, p.Arg199Pro (NM_001300780.2); short protein forms R199P.
Identifiers: ClinVar variation 4851624 (VCV004851624.1).

ClinVar aggregate classification (germline): Uncertain significance (1 of 4 stars; one submission).

Conditions:
SEMA6A-Related Disorder.

Submission:

Daryl Scott Lab, Baylor College of Medicine
Classification: Uncertain significance for SEMA6A-Related Disorder. Review status: criteria provided, single submitter. Criteria: ACMG Guidelines, 2015. Collection method: clinical testing. Allele origin: de novo. Affected: yes. Observed: 1 heterozygote.
Comment: PS2, PM2, PP3